The following is an entry in ClinVar:

ClinVar aggregate classification (germline): Uncertain significance. Review status: criteria provided, multiple submitters, no conflicts (2 of 4 stars). 2 submissions from 2 submitters: Uncertain significance (2). Last evaluated 2025-01-27.

Conditions:
Cowden syndrome (CS). Also called: Cowden's disease; Cowden's syndrome; Cowden disease. Identifiers: Orphanet 201, MedGen C0018553, MONDO:0016063. Disease mechanism: gain of function.
Inborn genetic diseases. Identifiers: MedGen C0950123, MeSH D030342.

Allele frequency attached by ClinVar (database versions not stated): gnomAD exomes below 0.00001.
gnomAD v4.1: 1 of 1,612,080 alleles (0.000062%); highest among the groups gnomAD compares: Non-Finnish European, 0.000085%; no homozygotes.

Submissions (2):

Labcorp Genetics (formerly Invitae), Labcorp
Classification: Uncertain significance for Cowden syndrome. Last evaluated: 2025-01-27. Review status: criteria provided, single submitter. Criteria: Invitae Variant Classification Sherloc (09022015). Collection method: clinical testing. Allele origin: germline.
Comment: This sequence change replaces glutamic acid, which is acidic and polar, with glutamine, which is neutral and polar, at codon 35 of the PIK3CA protein (p.Glu35Gln). This variant is not present in population databases (gnomAD no frequency). This variant has not been reported in the literature in individuals affected with PIK3CA-related conditions. ClinVar contains an entry for this variant (Variation ID: 1386000). Invitae Evidence Modeling of protein sequence and biophysical properties (such as structural, functional, and spatial information, amino acid conservation, physicochemical variation, residue mobility, and thermodynamic stability) has been performed for this missense variant. However, the output from this modeling did not meet the statistical confidence thresholds required to predict the impact of this variant on PIK3CA protein function. In summary, the available evidence is currently insufficient to determine the role of this variant in disease. Therefore, it has been classified as a Variant of Uncertain Significance.

Ambry Genetics
Classification: Uncertain significance for Inborn genetic diseases. Last evaluated: 2024-01-02. Review status: criteria provided, single submitter. Criteria: Ambry Variant Classification Scheme 2023. Collection method: clinical testing. Allele origin: germline.

NM_006218.4(PIK3CA):c.103G>C (p.Glu35Gln)

Gene: PIK3CA (phosphatidylinositol-4,5-bisphosphate 3-kinase catalytic subunit alpha; plus strand). Cytogenetic location: 3q26.32.
Variant type: single nucleotide variant.
Coding change: c.103G>C on transcript NM_006218.4 (MANE Select); coding-DNA position 103, G replaced by C.
Protein change: p.Glu35Gln; replaces glutamic acid 35 with glutamine.
Molecular consequence: missense variant.
Genome position (GRCh38, 1-based): chr3:179,198,928, G>C. VCF-style: chr3-179198928-G-C. GRCh37 (hg19) VCF-style: chr3-178916716-G-C.
Other names: c.103G>C (NM_006218.2); short protein forms E35Q.
Identifiers: ClinVar variation 1386000 (VCV001386000.9), dbSNP rs2108385365, ClinGen allele CA355271107.
Genomic context (GRCh38, chr3:179,198,928, plus strand): 5'-TTGATGCCCCCAAGAATCCTAGTAGAATGTTTACTACCAAATGGAATGATAGTGACTTTA[G>C]AATGCCTCCGTGAGGCTACATTAATAACCATAAAGCATGAACTATTTAAAGAAGCAAGAA-3'
Protein context (NP_006209.2, residues 25-45): LLPNGMIVTL[Glu35Gln]CLREATLITI